The following is an entry in ClinVar:

NM_003242.6(TGFBR2):c.1409A>G (p.Tyr470Cys)

Gene: TGFBR2 (transforming growth factor beta receptor 2; plus strand). Cytogenetic location: 3p24.1.
Variant type: single nucleotide variant.
Coding change: c.1409A>G on transcript NM_003242.6 (MANE Select); coding-DNA position 1409, A replaced by G.
Protein change: p.Tyr470Cys; replaces tyrosine 470 with cysteine.
Molecular consequence: missense variant.
Genome position (GRCh38, 1-based): chr3:30,688,396, A>G. VCF-style: chr3-30688396-A-G. GRCh37 (hg19) VCF-style: chr3-30729888-A-G.
Other names: c.1484A>G, p.Tyr495Cys (NM_001024847.3); c.1592A>G, p.Tyr531Cys (NM_001407126.1); c.1517A>G, p.Tyr506Cys (NM_001407127.1); c.1436A>G, p.Tyr479Cys (NM_001407128.1); c.1412A>G, p.Tyr471Cys (NM_001407129.1); c.1406A>G, p.Tyr469Cys (NM_001407130.1); c.1304A>G, p.Tyr435Cys (NM_001407132.1, NM_001407133.1, NM_001407134.1 and 2 more transcripts); c.1124A>G, p.Tyr375Cys (NM_001407137.1); and 2 more; short protein forms Y470C, Y495C, Y375C, Y469C, Y479C, Y435C, Y180C, Y506C.
Identifiers: ClinVar variation 834654 (VCV000834654.7), dbSNP rs760797386, ClinGen allele CA351809212.

ClinVar aggregate classification (germline): Pathogenic (1 of 4 stars; one submission).

Conditions:
Familial thoracic aortic aneurysm and aortic dissection (TAAD). Also called: Thoracic aortic aneurysms and dissections. Identifiers: Orphanet 91387, MedGen C4707243, MONDO:0019625.

Submission:

Labcorp Genetics (formerly Invitae), Labcorp
Classification: Pathogenic for Familial thoracic aortic aneurysm and aortic dissection. Last evaluated: 2025-07-24. Review status: criteria provided, single submitter. Criteria: Invitae Variant Classification Sherloc (09022015). Collection method: clinical testing. Allele origin: germline.
Comment: This sequence change replaces tyrosine, which is neutral and polar, with cysteine, which is neutral and slightly polar, at codon 470 of the TGFBR2 protein (p.Tyr470Cys). This variant is not present in population databases (gnomAD no frequency). This missense change has been observed in individual(s) with TGFBR2-related conditions (PMID: 26848186, 27879313; internal data). In at least one individual the variant was observed to be de novo. ClinVar contains an entry for this variant (Variation ID: 834654). Invitae Evidence Modeling of protein sequence and biophysical properties (such as structural, functional, and spatial information, amino acid conservation, physicochemical variation, residue mobility, and thermodynamic stability) indicates that this missense variant is expected to disrupt TGFBR2 protein function with a positive predictive value of 95%. This variant disrupts the p.Tyr470 amino acid residue in TGFBR2. Other variant(s) that disrupt this residue have been observed in individuals with TGFBR2-related conditions (PMID: 17418587, 25326637; internal data), which suggests that this may be a clinically significant amino acid residue. For these reasons, this variant has been classified as Pathogenic.

Literature cited by the submitters: PubMed 26848186; PubMed 27879313; PubMed 17418587; PubMed 25326637.